The following is an entry in ClinVar:

NC_000011.9:g.(?_47431646)_(47470726_?)dup

Genes: PSMC3 (proteasome 26S subunit, ATPase 3; minus strand), RAPSN (receptor associated protein of the synapse; minus strand), SLC39A13 (solute carrier family 39 member 13; plus strand). Cytogenetic location: 11p11.2.
Variant type: Duplication.
Identifiers: ClinVar variation 1447979 (VCV001447979.6).

ClinVar aggregate classification (germline): Uncertain significance (1 of 4 stars; one submission).

Conditions:
Fetal akinesia deformation sequence 1 (FADS1). Also called: Pena-Shokeir syndrome type I; Fetal akinesia sequence. Identifiers: Orphanet 994, MedGen C1276035, MONDO:0100101, OMIM 208150, HP:0001989.
Congenital myasthenic syndrome 11. Also called: Myasthenic syndrome, congenital, 11, associated with acetylcholine receptor deficiency; MYASTHENIC SYNDROME, CONGENITAL, Ie. Identifiers: Orphanet 590, MedGen C4225367, MONDO:0014588, OMIM 616326.

Submission:

Labcorp Genetics (formerly Invitae), Labcorp
Classification: Uncertain significance for Congenital myasthenic syndrome 11; Fetal akinesia deformation sequence 1. Last evaluated: 2022-01-07. Review status: criteria provided, single submitter. Criteria: Invitae Variant Classification Sherloc (09022015). Collection method: clinical testing. Allele origin: germline.
Comment: A copy number gain of the genomic region encompassing the full coding sequence of the RAPSN gene has been identified. The boundaries of this event are unknown as they extend beyond the assayed region for this gene and therefore may encompass additional genes. As the precise location of this event is unknown, it may be in tandem or it may be located elsewhere in the genome. This variant has not been reported in the literature in individuals affected with RAPSN-related conditions. Experimental studies and prediction algorithms are not available or were not evaluated, and the functional significance of this variant is currently unknown. In summary, the available evidence is currently insufficient to determine the role of this variant in disease. Therefore, it has been classified as a Variant of Uncertain Significance.